The following is an entry in ClinVar:

NM_020297.4(ABCC9):c.2312C>T (p.Thr771Ile)

Gene: ABCC9 (ATP binding cassette subfamily C member 9; minus strand). Cytogenetic location: 12p12.1.
Variant type: single nucleotide variant.
Coding change: c.2312C>T on transcript NM_020297.4 (MANE Select); coding-DNA position 2312, C replaced by T.
Protein change: p.Thr771Ile; replaces threonine 771 with isoleucine.
Molecular consequence: missense variant.
Genome position (GRCh38, 1-based): chr12:21,862,980, G>A on the plus strand (C>T on the coding strand, the complement: ABCC9 is on the minus strand). VCF-style: chr12-21862980-G-A. GRCh37 (hg19) VCF-style: chr12-22015914-G-A.
Other names: c.2312C>T, p.Thr771Ile (NM_001377273.1, NM_005691.4); c.1445C>T, p.Thr482Ile (NM_001377274.1); short protein forms T771I, T482I.
Identifiers: ClinVar variation 546527 (VCV000546527.11), dbSNP rs180739851, ClinGen allele CA6481421.

ClinVar aggregate classification (germline): Uncertain significance. Review status: criteria provided, multiple submitters, no conflicts (2 of 4 stars). 4 submissions from 4 submitters: Uncertain significance (4). Last evaluated 2025-10-19.

Conditions:
Dilated cardiomyopathy 1O (CMD1O). Also called: CARDIOMYOPATHY, DILATED, WITH VENTRICULAR TACHYCARDIA. Identifiers: Orphanet 154, MedGen C1837839, MONDO:0012062, OMIM 608569.
Hypertrichotic osteochondrodysplasia Cantu type. Also called: Cantu Syndrome; Cantú Syndrome. Identifiers: Orphanet 1517, MedGen C0795905, MONDO:0009406, OMIM 239850.
Atrial fibrillation, familial, 12 (ATFB12). Identifiers: MedGen C3279695, MONDO:0013545, OMIM 614050.
Cardiovascular phenotype. Identifiers: MedGen CN230736.

Allele frequency attached by ClinVar (database versions not stated): gnomAD exomes 0.00001 and 0.00003; ExAC 0.00002; gnomAD 0.00003; TOPMed 0.00005; 1000 Genomes Project 0.00020; 1000 Genomes Project 30x 0.00031.
gnomAD v4.1: 16 of 1,610,458 alleles (0.00099%); highest among the groups gnomAD compares: Admixed American, 0.025%; no homozygotes.

Submissions (4):

Labcorp Genetics (formerly Invitae), Labcorp
Classification: Uncertain significance for Dilated cardiomyopathy 1O. Last evaluated: 2025-10-19. Review status: criteria provided, single submitter. Criteria: Invitae Variant Classification Sherloc (09022015). Collection method: clinical testing. Allele origin: germline.
Comment: This sequence change replaces threonine, which is neutral and polar, with isoleucine, which is neutral and non-polar, at codon 771 of the ABCC9 protein (p.Thr771Ile). This variant is present in population databases (rs180739851, gnomAD 0.02%). This variant has not been reported in the literature in individuals affected with ABCC9-related conditions. ClinVar contains an entry for this variant (Variation ID: 546527). An algorithm developed to predict the effect of missense changes on protein structure and function outputs the following: PolyPhen-2: "Benign". The isoleucine amino acid residue is found in multiple mammalian species, which suggests that this missense change does not adversely affect protein function. In summary, the available evidence is currently insufficient to determine the role of this variant in disease. Therefore, it has been classified as a Variant of Uncertain Significance.

Ambry Genetics
Classification: Uncertain significance for Cardiovascular phenotype. Last evaluated: 2025-02-07. Review status: criteria provided, single submitter. Criteria: Ambry Variant Classification Scheme 2023. Collection method: clinical testing. Allele origin: germline.
Comment: The p.T771I variant (also known as c.2312C>T), located in coding exon 18 of the ABCC9 gene, results from a C to T substitution at nucleotide position 2312. The threonine at codon 771 is replaced by isoleucine, an amino acid with similar properties. This amino acid position is well conserved in available vertebrate species. In addition, this alteration is predicted to be tolerated by in silico analysis. Based on the available evidence, the clinical significance of this variant remains unclear.

Fulgent Genetics
Classification: Uncertain significance for Hypertrichotic osteochondrodysplasia Cantu type; Dilated cardiomyopathy 1O; Atrial fibrillation, familial, 12. Last evaluated: 2018-10-31. Review status: criteria provided, single submitter. Criteria: ACMG Guidelines, 2015. Collection method: clinical testing. Allele origin: unknown.

GeneDx
Classification: Uncertain significance. Last evaluated: 2018-06-04. Review status: criteria provided, single submitter. Criteria: GeneDx Variant Classification (06012015). Collection method: clinical testing. Allele origin: germline. Affected: yes.
Comment: The T771I variant of uncertain significance in the ABCC9 gene has not been published as pathogenic or been reported as benign to our knowledge. This variant is observed in 7/33,466 alleles from individuals of Latino ancestry in large population cohorts (Lek et al., 2016). The T771I variant is a non-conservative amino acid substitution, which is likely to impact secondary protein structure as these residues differ in polarity, charge, size and/or other properties. However, in-silico analyses, including protein predictors and evolutionary conservation, support that this variant does not alter protein structure/function.Therefore, based on the currently available information, it is unclear whether this variant is pathogenic or benign.